The following is an entry in ClinVar:

ClinVar aggregate classification (germline): Benign. Review status: criteria provided, multiple submitters, no conflicts (2 of 4 stars). 12 submissions from 11 submitters: Benign (8). 4 of the submissions do not count toward it. Last evaluated 2026-02-03.

Conditions:
Progressive demyelinating neuropathy with bilateral striatal necrosis (THMD4). Also called: Thiamine metabolism dysfunction syndrome 4 (progressive polyneuropathy type); Thiamine Metabolism Dysfunction Syndrome 4 (THMD-4); BILATERAL STRIATAL DEGENERATION AND PROGRESSIVE POLYNEUROPATHY. Identifiers: Orphanet 217396, MedGen C3150973, MONDO:0013382, OMIM 613710.
Amish lethal microcephaly (MCPHA). Also called: THIAMINE METABOLISM DYSFUNCTION SYNDROME 3 (MICROCEPHALY TYPE); MICROCEPHALY, AMISH TYPE. Identifiers: Orphanet 99742, MedGen C1846648, MONDO:0011790, OMIM 607196.

Allele frequency attached by ClinVar (database versions not stated): 1000 Genomes Project 30x 0.88289; 1000 Genomes Project 0.88958; TOPMed 0.92619; gnomAD 0.93459 and 0.93495; ESP Exome Variant Server 0.93603; ExAC 0.96167; gnomAD exomes 0.96365.
gnomAD v4.1: 1,582,495 of 1,613,560 alleles (98%); highest among the groups gnomAD compares: Non-Finnish European, 100%; 777,764 homozygotes.

Submissions (12):

Labcorp Genetics (formerly Invitae), Labcorp
Classification: Benign. Last evaluated: 2026-02-03. Review status: criteria provided, single submitter. Criteria: Invitae Variant Classification Sherloc (09022015). Collection method: clinical testing. Allele origin: germline.

Blueprint Genetics
Classification: Benign. Last evaluated: 2024-11-28. Review status: criteria provided, single submitter. Criteria: ACMG Guidelines, 2015. Collection method: clinical testing. Allele origin: germline.

Genome-Nilou Lab
Classification: Benign for Amish lethal microcephaly. Last evaluated: 2021-07-15. Review status: criteria provided, single submitter. Criteria: ACMG Guidelines, 2015. Collection method: clinical testing. Allele origin: germline. Affected: no.

Genome-Nilou Lab
Classification: Benign for Progressive demyelinating neuropathy with bilateral striatal necrosis. Last evaluated: 2021-07-15. Review status: criteria provided, single submitter. Criteria: ACMG Guidelines, 2015. Collection method: clinical testing. Allele origin: germline. Affected: no.

Illumina Laboratory Services, Illumina
Classification: Benign for Amish lethal microcephaly. Last evaluated: 2018-01-12. Review status: criteria provided, single submitter. Criteria: ICSL Variant Classification Criteria 13 December 2019. Collection method: clinical testing. Allele origin: germline.
Comment: This variant was observed in the ICSL laboratory as part of a predisposition screen in an ostensibly healthy population. It had not been previously curated by ICSL or reported in the Human Gene Mutation Database (HGMD: prior to June 1st, 2018), and was therefore a candidate for classification through an automated scoring system. Utilizing variant allele frequency, disease prevalence and penetrance estimates, and inheritance mode, an automated score was calculated to assess if this variant is too frequent to cause the disease. Based on the score and internal cut-off values, a variant classified as benign is not then subjected to further curation. The score for this variant resulted in a classification of benign for this disease.

Athena Diagnostics
Classification: Benign. Last evaluated: 2017-04-20. Review status: criteria provided, single submitter. Criteria: Athena Diagnostics Criteria. Collection method: clinical testing. Allele origin: germline.

GeneDx
Classification: Benign. Last evaluated: 2015-03-03. Review status: criteria provided, single submitter. Criteria: GeneDx Variant Classification Process June 2021. Collection method: clinical testing. Allele origin: germline. Affected: yes.

Breakthrough Genomics
Classification: Benign. Review status: criteria provided, single submitter. Criteria: ACMG Guidelines, 2015. Collection method: not provided. Allele origin: germline. Inheritance: Autosomal recessive inheritance. Affected: yes.

Mayo Clinic Laboratories, Mayo Clinic
Classification: Benign. Last evaluated: 2016-02-19. Review status: no assertion criteria provided. Collection method: clinical testing. Allele origin: unknown. Not counted in ClinVar's aggregate classification.

Clinical Genetics DNA and cytogenetics Diagnostics Lab, Erasmus MC, Erasmus Medical Center
Classification: Benign. Review status: no assertion criteria provided. Collection method: clinical testing. Allele origin: germline. Affected: yes. Study: VKGL Data-share Consensus. Not counted in ClinVar's aggregate classification.

Diagnostic Laboratory, Department of Genetics, University Medical Center Groningen
Classification: Benign. Review status: no assertion criteria provided. Collection method: clinical testing. Allele origin: germline. Affected: yes. Study: VKGL Data-share Consensus. Not counted in ClinVar's aggregate classification.

Genetic Services Laboratory, University of Chicago
Classification: Likely benign for AllHighlyPenetrant. Review status: no assertion criteria provided. Collection method: clinical testing. Allele origin: germline. Inheritance: Autosomal recessive inheritance. Not counted in ClinVar's aggregate classification.
Comment: Likely benign based on allele frequency in 1000 Genomes Project or ESP global frequency and its presence in a patient with a rare or unrelated disease phenotype. NOT Sanger confirmed.

NM_001126121.2(SLC25A19):c.339T>C (p.Tyr113=)

Gene: SLC25A19 (solute carrier family 25 member 19; minus strand). Cytogenetic location: 17q25.1.
Variant type: single nucleotide variant.
Coding change: c.339T>C on transcript NM_001126121.2 (MANE Select); coding-DNA position 339, T replaced by C.
Protein change: p.Tyr113=; no amino-acid change (tyrosine 113 retained).
Molecular consequence: synonymous variant.
Genome position (GRCh38, 1-based): chr17:75,283,543, A>G on the plus strand (T>C on the coding strand, the complement: SLC25A19 is on the minus strand). VCF-style: chr17-75283543-A-G. GRCh37 (hg19) VCF-style: chr17-73279624-A-G.
Other names: c.339T>C, p.Tyr113= (NM_001126122.2, NM_021734.5).
Identifiers: ClinVar variation 130330 (VCV000130330.31), dbSNP rs7213318, ClinGen allele CA155221.
Genomic context (GRCh38, chr17:75,283,543, plus strand): 5'-GGTGGCCATACAGGCAGCCAGGCCACCACATACAAAGTGCACTGAGAATTCCCGGGCGTC[A>G]TACACGCTGCCTCTGTGGACCAGCTCCGTCAGCATTTCAAATGACAAGAACTGCAAGAGT-3'
Protein context (NP_001119593.1, residues 103-123): LTELVHRGSV[Tyr113=]DAREFSVHFV